The following is an entry in ClinVar:

NM_006767.4(LZTR1):c.2502dup (p.Glu835fs)

Gene: LZTR1 (leucine zipper like post translational regulator 1; plus strand). Cytogenetic location: 22q11.21.
Variant type: Duplication.
Coding change: c.2502dup on transcript NM_006767.4 (MANE Select); coding-DNA position 2502, one base duplicated (A; older notation c.2502dupA).
Protein change: p.Glu835fs; shifts the reading frame from glutamic acid 835.
Molecular consequence: frameshift variant.
Genome position (GRCh38, 1-based): chr22:20,997,327, A duplicated. VCF-style (leftmost placement, unchanged base first): chr22-20997326-C-CA. GRCh37 (hg19) VCF-style: chr22-21351615-C-CA.
Other names: short protein forms E835fs.
Identifiers: ClinVar variation 4724881 (VCV004724881.1).

ClinVar aggregate classification (germline): Uncertain significance (1 of 4 stars; one submission).

Submission:

Labcorp Genetics (formerly Invitae), Labcorp
Classification: Uncertain significance. Last evaluated: 2025-08-21. Review status: criteria provided, single submitter. Criteria: Invitae Variant Classification Sherloc (09022015). Collection method: clinical testing. Allele origin: germline.
Comment: This sequence change is expected to alter the c-terminus of the LZTR1 protein (p.Glu835Argfs*16). While this is not anticipated to result in nonsense mediated decay, it is expected to disrupt the last 6 amino acid(s) of the LZTR1 protein and extend the protein by 9 additional amino acid residues. This variant is not present in population databases (gnomAD no frequency). This variant has not been reported in the literature in individuals affected with LZTR1-related conditions. Experimental studies and prediction algorithms are not available or were not evaluated, and the functional significance of this variant is currently unknown. In summary, the available evidence is currently insufficient to determine the role of this variant in disease. Therefore, it has been classified as a Variant of Uncertain Significance.